The following is an entry in ClinVar:

ClinVar aggregate classification (germline): Conflicting classifications of pathogenicity. Review status: criteria provided, conflicting classifications (1 of 4 stars). 9 submissions from 9 submitters: Uncertain significance (1); Benign (2); Likely benign (5). 1 of the submissions does not count toward it. Last evaluated 2025-12-22.

Conditions:
Birt-Hogg-Dube syndrome 1 (BHD1). Also called: FIBROFOLLICULOMAS WITH TRICHODISCOMAS AND ACROCHORDONS. Identifiers: Orphanet 122, MedGen CN375946, MONDO:0800445, OMIM 135150.
Birt-Hogg-Dube syndrome. Also called: Birt Hogg Dubé syndrome. Identifiers: Orphanet 122, MedGen C0346010, MONDO:0800444.
FLCN-related disorder. Also called: FLCN-related condition.
Hereditary cancer-predisposing syndrome. Also called: Hereditary neoplastic syndrome; Neoplastic Syndromes, Hereditary; Hereditary Cancer Syndrome; Tumor predisposition. Identifiers: Orphanet 140162, MedGen C0027672, MeSH D009386, MONDO:0015356.

Allele frequency attached by ClinVar (database versions not stated): ExAC 0.00001; gnomAD exomes 0.00004; TOPMed 0.00005; gnomAD 0.00006; ESP Exome Variant Server 0.00008.
gnomAD v4.1: 36 of 1,611,066 alleles (0.0022%); highest among the groups gnomAD compares: South Asian, 0.0099%; no homozygotes.

Submissions (9):

Labcorp Genetics (formerly Invitae), Labcorp
Classification: Likely benign for Birt-Hogg-Dube syndrome. Last evaluated: 2025-12-22. Review status: criteria provided, single submitter. Criteria: Invitae Variant Classification Sherloc (09022015). Collection method: clinical testing. Allele origin: germline.

Quest Diagnostics Nichols Institute San Juan Capistrano
Classification: Benign. Last evaluated: 2025-01-31. Review status: criteria provided, single submitter. Criteria: Quest Diagnostics criteria. Collection method: clinical testing. Allele origin: unknown.

Myriad Genetics, Inc.
Classification: Benign for Birt-Hogg-Dube syndrome 1. Last evaluated: 2024-10-22. Review status: criteria provided, single submitter. Criteria: Myriad Autosomal Dominant, Autosomal Recessive and X-Linked Classification Criteria (2023). Collection method: clinical testing. Allele origin: unknown.
Comment: This variant is considered benign. This variant is a silent/synonymous amino acid change and it is not expected to impact splicing.

Blueprint Genetics
Classification: Likely benign. Last evaluated: 2024-07-18. Review status: criteria provided, single submitter. Criteria: ACMG Guidelines, 2015. Collection method: clinical testing. Allele origin: germline.

GeneDx
Classification: Likely benign. Last evaluated: 2021-08-27. Review status: criteria provided, single submitter. Criteria: GeneDx Variant Classification Process June 2021. Collection method: clinical testing. Allele origin: germline. Affected: yes.

Sema4
Classification: Likely benign for Hereditary cancer-predisposing syndrome. Last evaluated: 2021-01-13. Review status: criteria provided, single submitter. Criteria: Sema4 Curation Guidelines. Collection method: curation. Allele origin: germline.

Ambry Genetics
Classification: Likely benign for Hereditary cancer-predisposing syndrome. Last evaluated: 2019-07-30. Review status: criteria provided, single submitter. Criteria: Ambry Variant Classification Scheme 2023. Collection method: clinical testing. Allele origin: germline.

CeGaT Center for Human Genetics Tuebingen
Classification: Uncertain significance. Last evaluated: 2018-06-01. Review status: criteria provided, single submitter. Criteria: CeGaT Center For Human Genetics Tuebingen Variant Classification Criteria Version 2. Collection method: clinical testing. Allele origin: germline. Affected: yes. Observed: 1 variant allele.

PreventionGenetics, part of Exact Sciences
Classification: Likely benign for FLCN-related condition. Last evaluated: 2023-08-16. Review status: no assertion criteria provided. Collection method: clinical testing. Allele origin: germline. Not counted in ClinVar's aggregate classification.
Comment: This variant is classified as likely benign based on ACMG/AMP sequence variant interpretation guidelines (Richards et al. 2015 PMID: 25741868, with internal and published modifications).

Literature cited by the submitters: PubMed 33137092 (cited by Quest Diagnostics Nichols Institute San Juan Capistrano).

NM_144997.7(FLCN):c.444C>T (p.His148=)

Gene: FLCN (folliculin; minus strand). Cytogenetic location: 17p11.2.
Variant type: single nucleotide variant.
Coding change: c.444C>T on transcript NM_144997.7 (MANE Select); coding-DNA position 444, C replaced by T.
Protein change: p.His148=; no amino-acid change (histidine 148 retained).
Molecular consequence: synonymous variant.
Genome position (GRCh38, 1-based): chr17:17,224,096, G>A on the plus strand (C>T on the coding strand, the complement: FLCN is on the minus strand). VCF-style: chr17-17224096-G-A. GRCh37 (hg19) VCF-style: chr17-17127410-G-A.
Other names: c.444C>T (LRG_325t1, NM_144997.6); c.498C>T, p.His166= (NM_001353229.2); c.444C>T, p.His148= (NM_001353230.2, NM_001353231.2, NM_144606.7).
Identifiers: ClinVar variation 460615 (VCV000460615.63), dbSNP rs376825814, ClinGen allele CA8416398.